The following is an entry in ClinVar:

NM_014915.3(ANKRD26):c.2210G>T (p.Arg737Ile)

Gene: ANKRD26 (ankyrin repeat domain 26; minus strand). Cytogenetic location: 10p12.1.
Variant type: single nucleotide variant.
Coding change: c.2210G>T on transcript NM_014915.3 (MANE Select); coding-DNA position 2210, G replaced by T.
Protein change: p.Arg737Ile; replaces arginine 737 with isoleucine.
Molecular consequence: missense variant.
Genome position (GRCh38, 1-based): chr10:27,040,130, C>A on the plus strand (G>T on the coding strand, the complement: ANKRD26 is on the minus strand). VCF-style: chr10-27040130-C-A. GRCh37 (hg19) VCF-style: chr10-27329059-C-A.
Other names: p.Arg737Ile; c.2207G>T, p.Arg736Ile (NM_001256053.2); short protein forms R736I, R737I.
Identifiers: ClinVar variation 877273 (VCV000877273.17), dbSNP rs201688627, ClinGen allele CA5448269.

ClinVar aggregate classification (germline): Conflicting classifications of pathogenicity. Review status: criteria provided, conflicting classifications (1 of 4 stars). 7 submissions from 7 submitters: Uncertain significance (4); Benign (1); Likely benign (2). Last evaluated 2026-10-19.

Conditions:
ANKRD26-related disorder. Also called: ANKRD26-related condition.
Inborn genetic diseases. Identifiers: MedGen C0950123, MeSH D030342.
Thrombocytopenia 2 (THC2). Also called: ANKRD26-Related Thrombocytopenia. Identifiers: Orphanet 268322, MedGen C1861185, MONDO:0008555, OMIM 188000.

Allele frequency attached by ClinVar (database versions not stated): ESP Exome Variant Server 0.00017; gnomAD 0.00006; gnomAD exomes 0.00008; ExAC 0.00012; TOPMed 0.00009.
gnomAD v4.1: 127 of 1,612,988 alleles (0.0079%); highest among the groups gnomAD compares: African/African-American, 0.011%; no homozygotes.

Submissions (7):

GeneDx
Classification: Uncertain significance. Last evaluated: 2026-10-19. Review status: criteria provided, single submitter. Criteria: GeneDx Variant Classification Process June 2021. Collection method: clinical testing. Allele origin: germline.
Comment: In silico analysis supports that this missense variant has a deleterious effect on protein structure/function; Has not been previously published as pathogenic or benign to our knowledge

PreventionGenetics, part of Exact Sciences
Classification: Uncertain significance for ANKRD26-related condition. Last evaluated: 2026-06-12. Review status: criteria provided, single submitter. Criteria: ACMG Guidelines, 2015. Collection method: clinical testing. Allele origin: germline.
Comment: The ANKRD26 c.2210G>T variant is predicted to result in the amino acid substitution p.Arg737Ile. To our knowledge, this variant has not been reported in the literature. This variant is reported in 0.016% of alleles in individuals of European (Non-Finnish) descent in gnomAD. Although we suspect that this variant may be benign, at this time, the clinical significance of this variant is uncertain due to the absence of conclusive functional and genetic evidence.

Labcorp Genetics (formerly Invitae), Labcorp
Classification: Uncertain significance. Last evaluated: 2026-01-06. Review status: criteria provided, single submitter. Criteria: Invitae Variant Classification Sherloc (09022015). Collection method: clinical testing. Allele origin: germline.
Comment: This sequence change replaces arginine, which is basic and polar, with isoleucine, which is neutral and non-polar, at codon 737 of the ANKRD26 protein (p.Arg737Ile). This variant is present in population databases (rs201688627, gnomAD 0.02%). This variant has not been reported in the literature in individuals affected with ANKRD26-related conditions. ClinVar contains an entry for this variant (Variation ID: 877273). An algorithm developed to predict the effect of missense changes on protein structure and function (PolyPhen-2) suggests that this variant is likely to be disruptive. In summary, the available evidence is currently insufficient to determine the role of this variant in disease. Therefore, it has been classified as a Variant of Uncertain Significance.

Mayo Clinic Laboratories, Mayo Clinic
Classification: Likely benign. Last evaluated: 2025-04-10. Review status: criteria provided, single submitter. Criteria: ACMG Guidelines, 2015. Collection method: clinical testing. Allele origin: germline. Observed: 2 variant alleles.
Comment: BS1, BP4_moderate

Ambry Genetics
Classification: Uncertain significance for Inborn genetic diseases. Last evaluated: 2025-01-29. Review status: criteria provided, single submitter. Criteria: Ambry Variant Classification Scheme 2023. Collection method: clinical testing. Allele origin: germline.

Blueprint Genetics
Classification: Likely benign. Last evaluated: 2024-10-25. Review status: criteria provided, single submitter. Criteria: ACMG Guidelines, 2015. Collection method: clinical testing. Allele origin: germline.

Illumina Laboratory Services, Illumina
Classification: Benign for Thrombocytopenia 2. Last evaluated: 2018-01-12. Review status: criteria provided, single submitter. Criteria: ICSL Variant Classification Criteria 13 December 2019. Collection method: clinical testing. Allele origin: germline.
Comment: This variant was observed in the ICSL laboratory as part of a predisposition screen in an ostensibly healthy population. It had not been previously curated by ICSL or reported in the Human Gene Mutation Database (HGMD: prior to June 1st, 2018), and was therefore a candidate for classification through an automated scoring system. Utilizing variant allele frequency, disease prevalence and penetrance estimates, and inheritance mode, an automated score was calculated to assess if this variant is too frequent to cause the disease. Based on the score and internal cut-off values, a variant classified as benign is not then subjected to further curation. The score for this variant resulted in a classification of benign for this disease.